The following is an entry in ClinVar:

ClinVar aggregate classification (germline): Uncertain significance. Review status: criteria provided, multiple submitters, no conflicts (2 of 4 stars). 4 submissions from 3 submitters: Uncertain significance (4). Last evaluated 2022-07-21.

Conditions:
Cardiomyopathy (CMYO). Also called: Cardiomyopathies. Identifiers: Orphanet 167848, MedGen C0878544, MONDO:0004994, HP:0001638. Inheritance: Various modes of inheritance.
Left ventricular noncompaction 10 (LVNC10). Identifiers: Orphanet 154, Orphanet 54260, MedGen C3715165, MONDO:0014163, OMIM 615396.
Hypertrophic cardiomyopathy 4. Also called: Familial hypertrophic cardiomyopathy 4. Identifiers: MedGen C1861862, MONDO:0007268, OMIM 115197.
Hypertrophic cardiomyopathy. Also called: HYPERTROPHIC MYOCARDIOPATHY. Identifiers: Orphanet 217569, MedGen C0007194, MeSH D002312, MONDO:0005045, HP:0001639.

Allele frequency attached by ClinVar (database versions not stated): gnomAD exomes below 0.00001.
gnomAD v4.1: 1 of 1,613,936 alleles (0.000062%); highest among the groups gnomAD compares: South Asian, 0.0011%; no homozygotes.

Submissions (4):

CHEO Genetics Diagnostic Laboratory, Children's Hospital of Eastern Ontario
Classification: Uncertain significance for Cardiomyopathy. Last evaluated: 2022-07-21. Review status: criteria provided, single submitter. Criteria: ACMG Guidelines, 2015. Collection method: clinical testing. Allele origin: germline.

Labcorp Genetics (formerly Invitae), Labcorp
Classification: Uncertain significance for Hypertrophic cardiomyopathy. Last evaluated: 2020-03-10. Review status: criteria provided, single submitter. Criteria: Invitae Variant Classification Sherloc (09022015). Collection method: clinical testing. Allele origin: germline.
Comment: In summary, the available evidence is currently insufficient to determine the role of this variant in disease. Therefore, it has been classified as a Variant of Uncertain Significance. Algorithms developed to predict the effect of missense changes on protein structure and function (SIFT, PolyPhen-2, Align-GVGD) all suggest that this variant is likely to be disruptive, but these predictions have not been confirmed by published functional studies and their clinical significance is uncertain. This variant has not been reported in the literature in individuals with MYBPC3-related conditions. This variant is not present in population databases (ExAC no frequency). This sequence change replaces glycine with valine at codon 664 of the MYBPC3 protein (p.Gly664Val). The glycine residue is highly conserved and there is a moderate physicochemical difference between glycine and valine.

Illumina Laboratory Services, Illumina
Classification: Uncertain significance for Left ventricular noncompaction 10. Last evaluated: 2018-01-15. Review status: criteria provided, single submitter. Criteria: ICSL Variant Classification Criteria 13 December 2019. Collection method: clinical testing. Allele origin: germline.

Illumina Laboratory Services, Illumina
Classification: Uncertain significance for Hypertrophic cardiomyopathy 4. Last evaluated: 2018-01-15. Review status: criteria provided, single submitter. Criteria: ICSL Variant Classification Criteria 13 December 2019. Collection method: clinical testing. Allele origin: germline.

NM_000256.3(MYBPC3):c.1991G>T (p.Gly664Val)

Gene: MYBPC3 (myosin binding protein C3; minus strand). Cytogenetic location: 11p11.2.
Variant type: single nucleotide variant.
Coding change: c.1991G>T on transcript NM_000256.3 (MANE Select); coding-DNA position 1991, G replaced by T.
Protein change: p.Gly664Val; replaces glycine 664 with valine.
Molecular consequence: missense variant.
Genome position (GRCh38, 1-based): chr11:47,339,727, C>A on the plus strand (G>T on the coding strand, the complement: MYBPC3 is on the minus strand). VCF-style: chr11-47339727-C-A. GRCh37 (hg19) VCF-style: chr11-47361278-C-A.
Other names: short protein forms G664V.
Identifiers: ClinVar variation 878445 (VCV000878445.13), dbSNP rs2095886397, ClinGen allele CA380321722.